The following is an entry in ClinVar:

ClinVar aggregate classification (germline): Uncertain significance (1 of 4 stars; one submission).

Allele frequency attached by ClinVar (database versions not stated): gnomAD exomes below 0.00001; TOPMed below 0.00001.
gnomAD v4.1: 2 of 1,613,942 alleles (0.00012%); highest among the groups gnomAD compares: Non-Finnish European, 0.00017%; no homozygotes.

Submission:

GeneDx
Classification: Uncertain significance. Last evaluated: 2019-12-11. Review status: criteria provided, single submitter. Criteria: GeneDx Variant Classification Process June 2021. Collection method: clinical testing. Allele origin: germline. Affected: yes.
Comment: In silico analysis, which includes protein predictors and evolutionary conservation, supports a deleterious effect; Has not been previously published as pathogenic or benign to our knowledge

NM_001012720.2(RGR):c.101A>G (p.Asn34Ser)

Gene: RGR (retinal G protein coupled receptor; plus strand). Cytogenetic location: 10q23.1.
Variant type: single nucleotide variant.
Coding change: c.101A>G on transcript NM_001012720.2 (MANE Select); coding-DNA position 101, A replaced by G.
Protein change: p.Asn34Ser; replaces asparagine 34 with serine.
Molecular consequence: missense variant.
Genome position (GRCh38, 1-based): chr10:84,247,612, A>G. VCF-style: chr10-84247612-A-G. GRCh37 (hg19) VCF-style: chr10-86007368-A-G.
Other names: c.101A>G, p.Asn34Ser (NM_001012722.2, NM_002921.4); short protein forms N34S.
Identifiers: ClinVar variation 1310953 (VCV001310953.2), dbSNP rs770033750, ClinGen allele CA5581306.